The following is an entry in ClinVar:

ClinVar aggregate classification (germline): Uncertain significance (1 of 4 stars; one submission).

Conditions:
Glycogen storage disease type III (GSD3). Also called: Cori disease; FORBES DISEASE. Identifiers: Orphanet 366, MedGen C0017922, MONDO:0009291, OMIM 232400.

Submission:

Labcorp Genetics (formerly Invitae), Labcorp
Classification: Uncertain significance for Glycogen storage disease type III. Last evaluated: 2022-10-05. Review status: criteria provided, single submitter. Criteria: Invitae Variant Classification Sherloc (09022015). Collection method: clinical testing. Allele origin: germline.
Comment: This sequence change replaces valine, which is neutral and non-polar, with phenylalanine, which is neutral and non-polar, at codon 1179 of the AGL protein (p.Val1179Phe). This variant is not present in population databases (gnomAD no frequency). This variant has not been reported in the literature in individuals affected with AGL-related conditions. ClinVar contains an entry for this variant (Variation ID: 526565). Advanced modeling of protein sequence and biophysical properties (such as structural, functional, and spatial information, amino acid conservation, physicochemical variation, residue mobility, and thermodynamic stability) performed at Invitae indicates that this missense variant is expected to disrupt AGL protein function. In summary, the available evidence is currently insufficient to determine the role of this variant in disease. Therefore, it has been classified as a Variant of Uncertain Significance.

NM_000642.3(AGL):c.3535G>T (p.Val1179Phe)

Gene: AGL (amylo-alpha-1,6-glucosidase and 4-alpha-glucanotransferase; plus strand). Cytogenetic location: 1p21.2.
Variant type: single nucleotide variant.
Coding change: c.3535G>T on transcript NM_000642.3 (MANE Select); coding-DNA position 3535, G replaced by T.
Protein change: p.Val1179Phe; replaces valine 1179 with phenylalanine.
Molecular consequence: missense variant.
Genome position (GRCh38, 1-based): chr1:99,900,808, G>T. VCF-style: chr1-99900808-G-T. GRCh37 (hg19) VCF-style: chr1-100366364-G-T.
Other names: c.3535G>T, p.Val1179Phe (NM_000028.3, NM_000643.3, NM_000644.3 and 1 more transcripts); c.3487G>T, p.Val1163Phe (NM_000646.3); c.3514G>T, p.Val1172Phe (NM_001425326.1); c.3334G>T, p.Val1112Phe (NM_001425327.1); c.3331G>T, p.Val1111Phe (NM_001425328.1); c.3196G>T, p.Val1066Phe (NM_001425329.1); c.3157G>T, p.Val1053Phe (NM_001425332.1); short protein forms V1179F, V1163F, V1053F, V1066F, V1111F, V1112F, V1172F.
Identifiers: ClinVar variation 526565 (VCV000526565.6), dbSNP rs1553190315, ClinGen allele CA341332397.